The following is an entry in ClinVar:

NM_001844.5(COL2A1):c.1365+1G>A

Gene: COL2A1 (collagen type II alpha 1 chain; minus strand). Cytogenetic location: 12q13.11.
Variant type: single nucleotide variant.
Coding change: c.1365+1G>A on transcript NM_001844.5 (MANE Select); the canonical splice donor site of the intron after coding-DNA position 1365, G replaced by A.
Molecular consequence: splice donor variant.
Genome position (GRCh38, 1-based): chr12:47,987,077, C>T on the plus strand (G>A on the coding strand, the complement: COL2A1 is on the minus strand). VCF-style: chr12-47987077-C-T. GRCh37 (hg19) VCF-style: chr12-48380860-C-T.
Other names: c.1158+1G>A (NM_033150.3).
Identifiers: ClinVar variation 1486498 (VCV001486498.6), dbSNP rs2136575516, ClinGen allele CA384553672.

ClinVar aggregate classification (germline): Pathogenic/Likely pathogenic. Review status: criteria provided, multiple submitters, no conflicts (2 of 4 stars). 2 submissions from 2 submitters: Pathogenic (1); Likely pathogenic (1). Last evaluated 2025-01-27.

Conditions:
Stickler syndrome type 1 (STL1). Also called: ARTHROOPHTHALMOPATHY, HEREDITARY PROGRESSIVE; STICKLER SYNDROME, MEMBRANOUS VITREOUS TYPE; STICKLER SYNDROME, VITREOUS TYPE 1; COL2A1-Related Stickler Syndrome. Identifiers: Orphanet 828, Orphanet 90653, MedGen C2020284, MONDO:0007160, OMIM 108300.

Submissions (2):

Labcorp Genetics (formerly Invitae), Labcorp
Classification: Pathogenic. Last evaluated: 2025-01-27. Review status: criteria provided, single submitter. Criteria: Invitae Variant Classification Sherloc (09022015). Collection method: clinical testing. Allele origin: germline.
Comment: This sequence change affects a donor splice site in intron 21 of the COL2A1 gene. It is expected to disrupt RNA splicing. Variants that disrupt the donor or acceptor splice site typically lead to a loss of protein function (PMID: 16199547), and loss-of-function variants in COL2A1 are known to be pathogenic (PMID: 20179744). This variant is not present in population databases (gnomAD no frequency). Disruption of this splice site has been observed in individuals with autosomal dominant Kniest dysplasia (PMID: 26626311, 36307859; internal data). ClinVar contains an entry for this variant (Variation ID: 1486498). Algorithms developed to predict the effect of sequence changes on RNA splicing suggest that this variant may disrupt the consensus splice site. For these reasons, this variant has been classified as Pathogenic.

Clinical Biomedical Laboratory, Shriners Hospital For Children - Canada
Classification: Likely pathogenic for Stickler syndrome type 1. Review status: criteria provided, single submitter. Criteria: ACMG Guidelines, 2015. Collection method: clinical testing. Allele origin: germline. Affected: yes.
Comment: This variant is predicted to affect a canonical splice site in COL2A1. This variant is expected to disrupt RNA splicing and lead to loss of function of the affected allele. Loss-of-function variants in COL2A1 are associated with Stickler syndrome type I, which corresponds to the clinical diagnosis of the proband. This variant is absent from the Genome Aggregation Database (v2.1.1), indicating it is very rare. A different change affecting the same nucleotide has been reported in the literature as a cause of Stickler syndrome (PMID 26626311). Based on the ACMG variant interpretation guidelines (criteria: PVS1, PM2), the available evidence supports classification of this variant as likely pathogenic.

Literature cited by the submitters: PubMed 16199547 (cited by Labcorp Genetics (formerly Invitae), Labcorp); PubMed 20179744 (cited by Labcorp Genetics (formerly Invitae), Labcorp); PubMed 26626311 (cited by Labcorp Genetics (formerly Invitae), Labcorp); PubMed 36307859 (cited by Labcorp Genetics (formerly Invitae), Labcorp).